The following is an entry in ClinVar:

ClinVar aggregate classification (germline): Pathogenic (1 of 4 stars; one submission).

Conditions:
Donnai-Barrow syndrome. Also called: DBS/FOAR SYNDROME; FACIOOCULOACOUSTICORENAL SYNDROME. Identifiers: Orphanet 2143, MedGen C1857277, MONDO:0009104, OMIM 222448.

Submission:

Myriad Genetics, Inc.
Classification: Pathogenic for Donnai-Barrow syndrome. Last evaluated: 2025-04-15. Review status: criteria provided, single submitter. Criteria: Myriad Autosomal Dominant, Autosomal Recessive and X-Linked Classification Criteria (2023). Collection method: clinical testing. Allele origin: unknown.
Comment: NM_004525.2(LRP2):c.5875C>T(Q1959*) is expected to be pathogenic in the context of Donnai-Barrow syndrome. This variant is predicted to lead to an abnormal or absent protein product due to the creation of a premature termination codon in LRP2, a gene where loss-of-function variants are known to be pathogenic. Please note: this variant was assessed in the context of healthy population screening.

NM_004525.3(LRP2):c.5875C>T (p.Gln1959Ter)

Gene: LRP2 (LDL receptor related protein 2; minus strand). Cytogenetic location: 2q31.1.
Variant type: single nucleotide variant.
Coding change: c.5875C>T on transcript NM_004525.3 (MANE Select); coding-DNA position 5875, C replaced by T.
Protein change: p.Gln1959Ter; replaces glutamine 1959 with a stop codon.
Molecular consequence: nonsense.
Genome position (GRCh38, 1-based): chr2:169,213,822, G>A on the plus strand (C>T on the coding strand, the complement: LRP2 is on the minus strand). VCF-style: chr2-169213822-G-A. GRCh37 (hg19) VCF-style: chr2-170070332-G-A.
Other names: short protein forms Q1959*.
Identifiers: ClinVar variation 5014330 (VCV005014330.1).